The following is an entry in ClinVar:

ClinVar aggregate classification (germline): Benign. Review status: criteria provided, single submitter (1 of 4 stars). 2 submissions from 2 submitters: Benign (1). 1 of the submissions does not count toward it. Last evaluated 2017-07-11.

Conditions:
USP27X-related disorder. Also called: USP27X-related condition.

Allele frequency attached by ClinVar (database versions not stated): TOPMed 0.00006; 1000 Genomes Project 30x 0.00104; gnomAD exomes 0.00112 and 0.00313; 1000 Genomes Project 0.00132; gnomAD 0.00170 and 0.00173; ExAC 0.00379.

Submissions (2):

Labcorp Genetics (formerly Invitae), Labcorp
Classification: Benign. Last evaluated: 2017-07-11. Review status: criteria provided, single submitter. Criteria: Invitae Variant Classification Sherloc (09022015). Collection method: clinical testing. Allele origin: germline.

PreventionGenetics, part of Exact Sciences
Classification: Benign for USP27X-related condition. Last evaluated: 2019-08-19. Review status: no assertion criteria provided. Collection method: clinical testing. Allele origin: germline. Not counted in ClinVar's aggregate classification.
Comment: This variant is classified as benign based on ACMG/AMP sequence variant interpretation guidelines (Richards et al. 2015 PMID: 25741868, with internal and published modifications).

NM_001145073.3(USP27X):c.1039A>G (p.Met347Val)

Gene: USP27X (ubiquitin specific peptidase 27 X-linked; plus strand). Cytogenetic location: Xp11.23.
Variant type: single nucleotide variant.
Coding change: c.1039A>G on transcript NM_001145073.3 (MANE Select); coding-DNA position 1039, A replaced by G.
Protein change: p.Met347Val; replaces methionine 347 with valine.
Molecular consequence: missense variant.
Genome position (GRCh38, 1-based): chrX:49,881,346, A>G. VCF-style: chrX-49881346-A-G. GRCh37 (hg19) VCF-style: chrX-49645949-A-G.
Other names: short protein forms M347V.
Identifiers: ClinVar variation 789546 (VCV000789546.5), dbSNP rs188199174, ClinGen allele CA10413425.